The following is an entry in ClinVar:

NM_002472.3(MYH8):c.4097A>G (p.Lys1366Arg)

Genes: MYH8 (myosin heavy chain 8; minus strand), MYHAS (myosin heavy chain gene cluster antisense RNA; plus strand). Cytogenetic location: 17p13.1.
Variant type: single nucleotide variant.
Coding change: c.4097A>G on transcript NM_002472.3 (MANE Select); coding-DNA position 4097, A replaced by G.
Protein change: p.Lys1366Arg; replaces lysine 1366 with arginine.
Molecular consequence: missense variant.
Genome position (GRCh38, 1-based): chr17:10,398,525, T>C on the plus strand (A>G on the coding strand, the complement: MYH8 is on the minus strand). VCF-style: chr17-10398525-T-C. GRCh37 (hg19) VCF-style: chr17-10301842-T-C.
Other names: short protein forms K1366R.
Identifiers: ClinVar variation 4885967 (VCV004885967.2).

ClinVar aggregate classification (germline): Uncertain significance (1 of 4 stars; one submission).

Submission:

Dasa
Classification: Uncertain significance. Last evaluated: 2025-08-06. Review status: criteria provided, single submitter. Criteria: DASA Assertion Criteria. Collection method: clinical testing. Allele origin: germline.
Comment: NM_002472.3(MYH8):c.4097A>G (p.Lys1366Arg) is a missense variant that results in the substitution of lysine with arginine. This variant is rare in population databases. Computational prediction algorithms are consistent with a deleterious effect. The currently available literature and clinical evidence are not sufficient to establish a definitive association between this variant and the reported condition. Therefore, this variant is classified as a variant of uncertain significance.